The following is an entry in ClinVar:

NM_018993.4(RIN2):c.1904A>G (p.Asn635Ser)

Gene: RIN2 (Ras and Rab interactor 2; plus strand). Cytogenetic location: 20p11.23.
Variant type: single nucleotide variant.
Coding change: c.1904A>G on transcript NM_018993.4 (MANE Select); coding-DNA position 1904, A replaced by G.
Protein change: p.Asn635Ser; replaces asparagine 635 with serine.
Molecular consequence: missense variant.
Genome position (GRCh38, 1-based): chr20:19,990,147, A>G. VCF-style: chr20-19990147-A-G. GRCh37 (hg19) VCF-style: chr20-19970791-A-G.
Other names: c.2051A>G, p.Asn684Ser (NM_001242581.2); c.1286A>G, p.Asn429Ser (NM_001378238.1); short protein forms N429S, N635S, N684S.
Identifiers: ClinVar variation 1303925 (VCV001303925.2), dbSNP rs767135541, ClinGen allele CA9780167.
Genomic context (GRCh38, chr20:19,990,147, plus strand): 5'-ACATGGCCGATGGCTCATGGAAGCAACTCAAGGAGAACCTGCAGCTTGTGCGGCAGAGGA[A>G]TCCGCAGGAGCTGGGGGTCTTCGCCCCGACCCCTGATTTTGTGGATGTGGAGAAAATCAA-3'
Protein context (NP_061866.1, residues 625-645): KENLQLVRQR[Asn635Ser]PQELGVFAPT

ClinVar aggregate classification (germline): Uncertain significance (1 of 4 stars; one submission).

Allele frequency attached by ClinVar (database versions not stated): TOPMed below 0.00001; gnomAD 0.00001; gnomAD exomes 0.00001 and 0.00002.
gnomAD v4.1: 35 of 1,603,264 alleles (0.0022%); highest among the groups gnomAD compares: Non-Finnish European, 0.0026%; no homozygotes.

Submission:

GeneDx
Classification: Uncertain significance. Last evaluated: 2019-09-09. Review status: criteria provided, single submitter. Criteria: GeneDx Variant Classification Process June 2021. Collection method: clinical testing. Allele origin: germline. Affected: yes.
Comment: Not observed at a significant frequency in large population cohorts (Lek et al., 2016); In silico analysis, which includes protein predictors and evolutionary conservation, supports that this variant does not alter protein structure/function; Has not been previously published as pathogenic or benign to our knowledge